The following is an entry in ClinVar:

NM_003325.4(HIRA):c.2262A>G (p.Lys754=)

Gene: HIRA (histone cell cycle regulator; minus strand). Cytogenetic location: 22q11.21.
Variant type: single nucleotide variant.
Coding change: c.2262A>G on transcript NM_003325.4 (MANE Select); coding-DNA position 2262, A replaced by G.
Protein change: p.Lys754=; no amino-acid change (lysine 754 retained).
Molecular consequence: synonymous variant.
Genome position (GRCh38, 1-based): chr22:19,357,024, T>C on the plus strand (A>G on the coding strand, the complement: HIRA is on the minus strand). VCF-style: chr22-19357024-T-C. GRCh37 (hg19) VCF-style: chr22-19344547-T-C.
Identifiers: ClinVar variation 3046737 (VCV003046737.2), dbSNP rs983308269, ClinGen allele CA321383552.
Genomic context (GRCh38, chr22:19,357,024, plus strand): 5'-TGGCAGGAGGATGGGAGAGAGGAGACGGCGACCACAGGTGGAGAACACTGACAGCATCCT[T>C]TTTTCACAGGCGACACACACCACGTCACTGAGAAGGCAGAGTGGGGGCAGGTGTCATGGG-3'
Protein context (NP_003316.3, residues 744-764): SCDVVCVACE[Lys754=]RMLSVFSTCG

ClinVar aggregate classification (germline): Likely benign (0 of 4 stars; one submission).

Conditions:
HIRA-related disorder.

Allele frequency attached by ClinVar (database versions not stated): gnomAD 0.00001; TOPMed 0.00002.
gnomAD v4.1: 2 of 1,613,888 alleles (0.00012%); highest among the groups gnomAD compares: Admixed American, 0.0033%; no homozygotes.

Submission:

PreventionGenetics, part of Exact Sciences
Classification: Likely benign for HIRA-related condition. Last evaluated: 2023-02-20. Review status: no assertion criteria provided. Collection method: clinical testing. Allele origin: germline.
Comment: This variant is classified as likely benign based on ACMG/AMP sequence variant interpretation guidelines (Richards et al. 2015 PMID: 25741868, with internal and published modifications).